The following is an entry in ClinVar:

ClinVar aggregate classification (germline): Pathogenic. Review status: criteria provided, single submitter (1 of 4 stars). 2 submissions from 2 submitters: Pathogenic (1). 1 of the submissions does not count toward it. Last evaluated 2025-03-10.

Conditions:
Childhood hypophosphatasia. Identifiers: Orphanet 247667, Orphanet 436, MedGen C0220743, MONDO:1010168, OMIM 241510, MONDO:0009428.

Submissions (2):

Labcorp Genetics (formerly Invitae), Labcorp
Classification: Pathogenic. Last evaluated: 2025-03-10. Review status: criteria provided, single submitter. Criteria: Invitae Variant Classification Sherloc (09022015). Collection method: clinical testing. Allele origin: germline.
Comment: This sequence change affects a splice site in intron 12 of the PHEX gene. It is expected to disrupt RNA splicing. Variants that disrupt the donor or acceptor splice site typically lead to a loss of protein function (PMID: 16199547), and loss-of-function variants in PHEX are known to be pathogenic (PMID: 9097956, 9106524, 19219621). This variant is not present in population databases (gnomAD no frequency). Disruption of this splice site has been observed in individuals with clinical and/or biochemical features of hypophosphatemia (PMID: 22695891; internal data). This variant is also known as c.1404+2_5delTAAGG. ClinVar contains an entry for this variant (Variation ID: 1073326). Algorithms developed to predict the effect of sequence changes on RNA splicing suggest that this variant may disrupt the consensus splice site. For these reasons, this variant has been classified as Pathogenic.

Department of Pediatric Endocrinology, Shriners Hospitals for Children - Mexico City
No classification provided. Condition: Childhood hypophosphatasia. Review status: no classification provided. Collection method: phenotyping only. Allele origin: germline. Inheritance: X-linked dominant inheritance. Affected: yes. Observed: 1 variant allele, 1 hemizygote. Not counted in ClinVar's aggregate classification.

Literature cited by the submitters: PubMed 16199547 (cited by Labcorp Genetics (formerly Invitae), Labcorp); PubMed 9097956 (cited by Labcorp Genetics (formerly Invitae), Labcorp); PubMed 9106524 (cited by Labcorp Genetics (formerly Invitae), Labcorp); PubMed 19219621 (cited by Labcorp Genetics (formerly Invitae), Labcorp); PubMed 22695891 (cited by Labcorp Genetics (formerly Invitae), Labcorp).

NM_000444.6(PHEX):c.1404+2_1404+6del

Gene: PHEX (phosphate regulating endopeptidase X-linked; plus strand). Cytogenetic location: Xp22.11.
Variant type: Deletion.
Coding change: c.1404+2_1404+6del on transcript NM_000444.6 (MANE Select); the canonical splice donor site of the intron after coding-DNA position 1404 through 6 bases into the intron after coding-DNA position 1404, 5 bases deleted (TAAGG; older notation c.1404+2_1404+6delTAAGG).
Molecular consequence: splice donor variant.
Genome position (GRCh38, 1-based): chrX:22,133,626-22,133,630, TAAGG deleted; deleting any 5 consecutive bases within chrX:22,133,622-22,133,630 gives the same sequence; the c. name uses the placement nearest the transcript's 3' end. VCF-style (leftmost placement, unchanged base first): chrX-22133621-AAAGGT-A. GRCh37 (hg19) VCF-style: chrX-22151738-AAAGGT-A.
Other names: c.1404+2_1404+6del (NM_001282754.2).
Identifiers: ClinVar variation 1073326 (VCV001073326.10), dbSNP rs2147086590, ClinGen allele CA2499226577.